The following is an entry in ClinVar:

ClinVar aggregate classification (germline): Uncertain significance. Review status: criteria provided, multiple submitters, no conflicts (2 of 4 stars). 2 submissions from 2 submitters: Uncertain significance (2). Last evaluated 2026-08-18.

Conditions:
Inborn genetic diseases. Identifiers: MedGen C0950123, MeSH D030342.
Hyperinsulinism-hyperammonemia syndrome (HHF6). Identifiers: Orphanet 35878, MedGen C1847555, MONDO:0011717, OMIM 606762.

Submissions (2):

Ambry Genetics
Classification: Uncertain significance for Inborn genetic diseases. Last evaluated: 2026-08-18. Review status: criteria provided, single submitter. Criteria: Ambry Variant Classification Scheme 2023. Collection method: clinical testing. Allele origin: germline.

Baylor Genetics
Classification: Uncertain significance for Hyperinsulinism-hyperammonemia syndrome. Last evaluated: 2020-05-05. Review status: criteria provided, single submitter. Criteria: ACMG Guidelines, 2015. Collection method: clinical testing. Allele origin: unknown. Affected: yes.
Comment: This variant was determined to be of uncertain significance according to ACMG Guidelines, 2015 [PMID:25741868].

NM_005271.5(GLUD1):c.839T>C (p.Ile280Thr)

Gene: GLUD1 (glutamate dehydrogenase 1; minus strand). Cytogenetic location: 10q23.2.
Variant type: single nucleotide variant.
Coding change: c.839T>C on transcript NM_005271.5 (MANE Select); coding-DNA position 839, T replaced by C.
Protein change: p.Ile280Thr; replaces isoleucine 280 with threonine.
Molecular consequence: missense variant.
Genome position (GRCh38, 1-based): chr10:87,062,738, A>G on the plus strand (T>C on the coding strand, the complement: GLUD1 is on the minus strand). VCF-style: chr10-87062738-A-G. GRCh37 (hg19) VCF-style: chr10-88822495-A-G.
Other names: c.440T>C, p.Ile147Thr (NM_001318900.1); c.338T>C, p.Ile113Thr (NM_001318901.1, NM_001318902.1, NM_001318904.2 and 2 more transcripts); short protein forms I113T, I147T, I280T.
Identifiers: ClinVar variation 1030901 (VCV001030901.2), dbSNP rs1845968579, ClinGen allele CA377468772.